The following is an entry in ClinVar:

ClinVar aggregate classification (germline): Likely benign (0 of 4 stars; one submission).

Conditions:
PLA2G2A-related disorder. Also called: PLA2G2A-related condition.

Allele frequency attached by ClinVar (database versions not stated): gnomAD 0.00004; TOPMed 0.00011; ExAC 0.00022.
gnomAD v4.1: 53 of 1,613,530 alleles (0.0033%); highest among the groups gnomAD compares: East Asian, 0.1%; no homozygotes.

Submission:

PreventionGenetics, part of Exact Sciences
Classification: Likely benign for PLA2G2A-related condition. Last evaluated: 2019-08-07. Review status: no assertion criteria provided. Collection method: clinical testing. Allele origin: germline.
Comment: This variant is classified as likely benign based on ACMG/AMP sequence variant interpretation guidelines (Richards et al. 2015 PMID: 25741868, with internal and published modifications).

NM_001395463.1(PLA2G2A):c.52G>A (p.Ala18Thr)

Gene: PLA2G2A (phospholipase A2 group IIA; minus strand). Cytogenetic location: 1p36.13.
Variant type: single nucleotide variant.
Coding change: c.52G>A on transcript NM_001395463.1 (MANE Select); coding-DNA position 52, G replaced by A.
Protein change: p.Ala18Thr; replaces alanine 18 with threonine.
Molecular consequence: missense variant.
Genome position (GRCh38, 1-based): chr1:19,978,513, C>T on the plus strand (G>A on the coding strand, the complement: PLA2G2A is on the minus strand). VCF-style: chr1-19978513-C-T. GRCh37 (hg19) VCF-style: chr1-20305006-C-T.
Other names: c.52G>A, p.Ala18Thr (NM_000300.4, NM_001161727.2, NM_001161728.2 and 1 more transcripts); short protein forms A18T.
Identifiers: ClinVar variation 3055524 (VCV003055524.2), dbSNP rs779631054, ClinGen allele CA658061.